The following is an entry in ClinVar:

NM_000057.4(BLM):c.757del (p.Gln253fs)

Gene: BLM (BLM RecQ like helicase; plus strand). Cytogenetic location: 15q26.1.
Variant type: Deletion.
Coding change: c.757del on transcript NM_000057.4 (MANE Select); coding-DNA position 757, one base deleted (C; older notation c.757delC).
Protein change: p.Gln253fs; shifts the reading frame from glutamine 253.
Molecular consequence: frameshift variant. On other transcripts: 5 prime UTR variant (1).
Genome position (GRCh38, 1-based): chr15:90,750,025, C deleted. VCF-style (leftmost placement, unchanged base first): chr15-90750024-TC-T. GRCh37 (hg19) VCF-style: chr15-91293254-TC-T.
Other names: c.757del, p.Gln253fs (NM_001287246.2, NM_001287247.2); c.-535del (NM_001287248.2); short protein forms Q253fs.
Identifiers: ClinVar variation 1368550 (VCV001368550.6), dbSNP rs2151148137, ClinGen allele CA2573151382.

ClinVar aggregate classification (germline): Pathogenic (1 of 4 stars; one submission).

Conditions:
Bloom syndrome (BLM). Also called: Bloom-Torre-Machacek syndrome. Identifiers: Orphanet 125, MedGen C0005859, MONDO:0008876, OMIM 210900.

Submission:

Labcorp Genetics (formerly Invitae), Labcorp
Classification: Pathogenic for Bloom syndrome. Last evaluated: 2021-08-06. Review status: criteria provided, single submitter. Criteria: Invitae Variant Classification Sherloc (09022015). Collection method: clinical testing. Allele origin: germline.
Comment: For these reasons, this variant has been classified as Pathogenic. This variant has not been reported in the literature in individuals affected with BLM-related conditions. This variant is not present in population databases (ExAC no frequency). This sequence change creates a premature translational stop signal (p.Gln253Argfs*6) in the BLM gene. It is expected to result in an absent or disrupted protein product. Loss-of-function variants in BLM are known to be pathogenic (PMID: 17407155).

Literature cited by the submitters: PubMed 17407155.